The following is an entry in ClinVar:

NM_001134363.3(RBM20):c.1361G>T (p.Gly454Val)

Gene: RBM20 (RNA binding motif protein 20; plus strand). Cytogenetic location: 10q25.2.
Variant type: single nucleotide variant.
Coding change: c.1361G>T on transcript NM_001134363.3 (MANE Select); coding-DNA position 1361, G replaced by T.
Protein change: p.Gly454Val; replaces glycine 454 with valine.
Molecular consequence: missense variant.
Genome position (GRCh38, 1-based): chr10:110,784,364, G>T. VCF-style: chr10-110784364-G-T. GRCh37 (hg19) VCF-style: chr10-112544122-G-T.
Other names: short protein forms G454V.
Identifiers: ClinVar variation 2564180 (VCV002564180.3), dbSNP rs1844393658, ClinGen allele CA378387681.

ClinVar aggregate classification (germline): Uncertain significance. Review status: criteria provided, multiple submitters, no conflicts (2 of 4 stars). 2 submissions from 2 submitters: Uncertain significance (2). Last evaluated 2025-10-08.

Conditions:
Cardiovascular phenotype. Identifiers: MedGen CN230736.
Dilated cardiomyopathy 1DD (CMD1DD). Identifiers: Orphanet 154, MedGen C2750995, MONDO:0013168, OMIM 613172.

Submissions (2):

Labcorp Genetics (formerly Invitae), Labcorp
Classification: Uncertain significance for Dilated cardiomyopathy 1DD. Last evaluated: 2025-10-08. Review status: criteria provided, single submitter. Criteria: Invitae Variant Classification Sherloc (09022015). Collection method: clinical testing. Allele origin: germline.
Comment: This sequence change replaces glycine, which is neutral and non-polar, with valine, which is neutral and non-polar, at codon 454 of the RBM20 protein (p.Gly454Val). This variant is not present in population databases (gnomAD no frequency). This variant has not been reported in the literature in individuals affected with RBM20-related conditions. ClinVar contains an entry for this variant (Variation ID: 2564180). Invitae Evidence Modeling of protein sequence and biophysical properties (such as structural, functional, and spatial information, amino acid conservation, physicochemical variation, residue mobility, and thermodynamic stability) indicates that this missense variant is not expected to disrupt RBM20 protein function with a negative predictive value of 95%. In summary, the available evidence is currently insufficient to determine the role of this variant in disease. Therefore, it has been classified as a Variant of Uncertain Significance.

Ambry Genetics
Classification: Uncertain significance for Cardiovascular phenotype. Last evaluated: 2023-06-14. Review status: criteria provided, single submitter. Criteria: Ambry Variant Classification Scheme 2023. Collection method: clinical testing. Allele origin: germline.
Comment: The p.G454V variant (also known as c.1361G>T), located in coding exon 4 of the RBM20 gene, results from a G to T substitution at nucleotide position 1361. The glycine at codon 454 is replaced by valine, an amino acid with dissimilar properties. This amino acid position is conserved. In addition, this alteration is predicted to be tolerated by in silico analysis. Since supporting evidence is limited at this time, the clinical significance of this alteration remains unclear.